The following is an entry in ClinVar:

NM_000090.4(COL3A1):c.4048C>A (p.Leu1350Ile)

Gene: COL3A1 (collagen type III alpha 1 chain; plus strand). Cytogenetic location: 2q32.2.
Variant type: single nucleotide variant.
Coding change: c.4048C>A on transcript NM_000090.4 (MANE Select); coding-DNA position 4048, C replaced by A.
Protein change: p.Leu1350Ile; replaces leucine 1350 with isoleucine.
Molecular consequence: missense variant.
Genome position (GRCh38, 1-based): chr2:189,010,684, C>A. VCF-style: chr2-189010684-C-A. GRCh37 (hg19) VCF-style: chr2-189875410-C-A.
Other names: short protein forms L1350I.
Identifiers: ClinVar variation 4708948 (VCV004708948.1).

ClinVar aggregate classification (germline): Uncertain significance (1 of 4 stars; one submission).

Conditions:
Ehlers-Danlos syndrome, type 4 (EDSVASC). Also called: Ehlers-Danlos syndrome vascular type; Ehlers Danlos syndrome, ecchymotic type; Ehlers Danlos syndrome, arterial type; Ehlers Danlos syndrome, Sack-Barabas type; Ehlers-Danlos Syndrome Type IV. Identifiers: Orphanet 286, MedGen C0268338, MONDO:0017314, OMIM 130050.

gnomAD v4.1: 2 of 1,614,102 alleles (0.00012%); highest among the groups gnomAD compares: Non-Finnish European, 0.00017%; no homozygotes.

Submission:

Labcorp Genetics (formerly Invitae), Labcorp
Classification: Uncertain significance for Ehlers-Danlos syndrome, type 4. Last evaluated: 2025-10-26. Review status: criteria provided, single submitter. Criteria: Invitae Variant Classification Sherloc (09022015). Collection method: clinical testing. Allele origin: germline.
Comment: This sequence change replaces leucine, which is neutral and non-polar, with isoleucine, which is neutral and non-polar, at codon 1350 of the COL3A1 protein (p.Leu1350Ile). This variant is present in population databases (no rsID available, gnomAD 0.0009%). This variant has not been reported in the literature in individuals affected with COL3A1-related conditions. Invitae Evidence Modeling of protein sequence and biophysical properties (such as structural, functional, and spatial information, amino acid conservation, physicochemical variation, residue mobility, and thermodynamic stability) indicates that this missense variant is not expected to disrupt COL3A1 protein function with a negative predictive value of 95%. In summary, the available evidence is currently insufficient to determine the role of this variant in disease. Therefore, it has been classified as a Variant of Uncertain Significance.